The following is an entry in ClinVar:

ClinVar aggregate classification (germline): Uncertain significance (1 of 4 stars; one submission).

Submission:

Laboratory for Molecular Medicine, Mass General Brigham Personalized Medicine
Classification: Uncertain significance. Last evaluated: 2016-04-27. Review status: criteria provided, single submitter. Criteria: LMM Criteria. Collection method: clinical testing. Allele origin: germline. Observed: 1 variant allele.
Comment: The p.Ile343del variant in DSC2 has not been previously reported in individuals with cardiomyopathy and is absent from large population studies, though the abil ity of these studies to accurately detect indels may be limited. This variant is a deletion of one amino acid at position 343 and is not predicted to alter the protein reading-frame. It is unclear if this deletion will impact the protein. I n summary, the clinical significance of the p.Ile343del variant is uncertain.

NM_024422.6(DSC2):c.1028_1030del (p.Ile343del)

Gene: DSC2 (desmocollin 2; minus strand). Cytogenetic location: 18q12.1.
Variant type: Deletion.
Coding change: c.1028_1030del on transcript NM_024422.6 (MANE Select); coding-DNA positions 1028 to 1030, 3 bases deleted (TTA; older notation c.1028_1030delTTA).
Protein change: p.Ile343del; deletes isoleucine 343.
Molecular consequence: inframe deletion.
Genome position (GRCh38, 1-based): chr18:31,082,973-31,082,975, TAA deleted on the plus strand (TTA on the coding strand, the reverse complement: DSC2 is on the minus strand); deleting any 3 consecutive bases within chr18:31,082,973-31,082,976 gives the same sequence; the c. name uses the placement nearest the transcript's 3' end. VCF-style (leftmost placement, unchanged base first): chr18-31082972-TTAA-T. GRCh37 (hg19) VCF-style: chr18-28662938-TTAA-T.
Other names: c.1028_1030del, p.Ile343del (NM_004949.5); short protein forms I343del.
Identifiers: ClinVar variation 504983 (VCV000504983.4), dbSNP rs1555639121, ClinGen allele CA658799033.
Genomic context (GRCh38, chr18:31,082,972, plus strand): 5'-TATCATACACTTACAGAAGTACGAGTAAATGTTGGCAAGTGGTCATTTACATCATCAATG[TTAA>T]TGATACAAGTTGAAGTTGTCTGTAGACCAAAATACTGACCATCCATGTCTTGTACTTTTA-3'